The following is an entry in ClinVar:

ClinVar aggregate classification (germline): Benign. Review status: criteria provided, multiple submitters, no conflicts (2 of 4 stars). 4 submissions from 4 submitters: Benign (2). 2 of the submissions do not count toward it. Last evaluated 2026-01-20.

Conditions:
Ullrich congenital muscular dystrophy 2 (UCMD2). Identifiers: Orphanet 75840, MedGen C4225314, MONDO:0014654, OMIM 616470.
Bethlem myopathy 2 (BTHLM2). Identifiers: Orphanet 536516, Orphanet 610, MedGen C4225313, MONDO:0034022, OMIM 616471.

Submissions (4):

Labcorp Genetics (formerly Invitae), Labcorp
Classification: Benign for Bethlem myopathy 2; Ullrich congenital muscular dystrophy 2. Last evaluated: 2026-01-20. Review status: criteria provided, single submitter. Criteria: Invitae Variant Classification Sherloc (09022015). Collection method: clinical testing. Allele origin: germline.

Mayo Clinic Laboratories, Mayo Clinic
Classification: Benign. Last evaluated: 2023-02-01. Review status: criteria provided, single submitter. Criteria: ACMG Guidelines, 2015. Collection method: clinical testing. Allele origin: germline. Observed: 52 variant alleles.
Comment: BA1, BS2, BP4, BP7

Clinical Genetics DNA and cytogenetics Diagnostics Lab, Erasmus MC, Erasmus Medical Center
Classification: Benign. Review status: no assertion criteria provided. Collection method: clinical testing. Allele origin: germline. Affected: yes. Study: VKGL Data-share Consensus. Not counted in ClinVar's aggregate classification.

Genome Diagnostics Laboratory, Amsterdam University Medical Center
Classification: Benign. Review status: no assertion criteria provided. Collection method: clinical testing. Allele origin: germline. Affected: yes. Study: VKGL Data-share Consensus. Not counted in ClinVar's aggregate classification.

NM_004370.6(COL12A1):c.1892-19_1892-18dup

Gene: COL12A1 (collagen type XII alpha 1 chain; minus strand). Cytogenetic location: 6q13.
Variant type: Duplication.
Coding change: c.1892-19_1892-18dup on transcript NM_004370.6 (MANE Select); 19 bases into the intron before coding-DNA position 1892 through 18 bases into the intron before coding-DNA position 1892, 2 bases duplicated (TT; older notation c.1892-19_1892-18dupTT).
Molecular consequence: intron variant.
Genome position (GRCh38, 1-based): chr6:75,181,218-75,181,219, AA duplicated on the plus strand (TT on the coding strand, the reverse complement: COL12A1 is on the minus strand); duplicating any 2 consecutive bases within chr6:75,181,218-75,181,230 gives the same sequence; the c. name uses the placement nearest the transcript's 3' end. VCF-style (leftmost placement, unchanged base first): chr6-75181217-T-TAA. GRCh37 (hg19) VCF-style: chr6-75890933-T-TAA.
Other names: p.?; c.73+21490_73+21491dup (NM_080645.3); c.1892-8_1892-7dup (NM_004370.6).
Identifiers: ClinVar variation 1170456 (VCV001170456.13), dbSNP rs11347601, ClinGen allele CA3894105.